The following is an entry in ClinVar:

ClinVar aggregate classification (germline): Uncertain significance (1 of 4 stars; one submission).

Submission:

GeneDx
Classification: Uncertain significance. Last evaluated: 2021-05-18. Review status: criteria provided, single submitter. Criteria: GeneDx Variant Classification Process June 2021. Collection method: clinical testing. Allele origin: germline. Affected: yes.
Comment: Has not been previously published as pathogenic or benign to our knowledge; Not observed in large population cohorts (Lek et al., 2016); Missense variants in this gene are often considered pathogenic (Stenson et al., 2014); In silico analysis supports that this missense variant does not alter protein structure/function, but is inconclusive as to whether the variant alters gene splicing; in the absence of RNA/functional studies, the actual effect of this sequence change is unknown

NM_001399.5(EDA):c.796C>T (p.Leu266Phe)

Gene: EDA (ectodysplasin A; plus strand). Cytogenetic location: Xq13.1.
Variant type: single nucleotide variant.
Coding change: c.796C>T on transcript NM_001399.5 (MANE Select); coding-DNA position 796, C replaced by T.
Protein change: p.Leu266Phe; replaces leucine 266 with phenylalanine.
Molecular consequence: missense variant. On other transcripts: intron variant (1).
Genome position (GRCh38, 1-based): chrX:70,033,400, C>T. VCF-style: chrX-70033400-C-T. GRCh37 (hg19) VCF-style: chrX-69253250-C-T.
Other names: c.796C>T, p.Leu266Phe (NM_001005609.2); c.794-7C>T (NM_001005612.3); short protein forms L266F.
Identifiers: ClinVar variation 1327272 (VCV001327272.2), dbSNP rs2147516247, ClinGen allele CA413448761.